The following is an entry in ClinVar:

ClinVar aggregate classification (germline): Pathogenic. Review status: criteria provided, multiple submitters, no conflicts (2 of 4 stars). 3 submissions from 3 submitters: Pathogenic (2). 1 of the submissions does not count toward it. Last evaluated 2023-08-28.

Conditions:
Phenylketonuria (PKU). Also called: Phenylketonuria (PKU); FOLLING DISEASE; OLIGOPHRENIA PHENYLPYRUVICA; Phenylketonurias. Identifiers: Orphanet 716, MedGen C0031485, MONDO:0009861, OMIM 261600. Disease mechanism: loss of function.

Submissions (3):

Women's Health and Genetics/Laboratory Corporation of America, LabCorp
Classification: Pathogenic for Phenylketonuria. Last evaluated: 2023-08-28. Review status: criteria provided, single submitter. Criteria: LabCorp Variant Classification Summary - May 2015. Collection method: clinical testing. Allele origin: germline.
Comment: Variant summary: PAH c.1024G>C (p.Ala342Pro) results in a non-conservative amino acid change located in the Aromatic amino acid hydroxylase, C-terminal of the encoded protein sequence. Five of five in-silico tools predict a damaging effect of the variant on protein function. The variant was absent in 251224 control chromosomes (gnomAD). c.1024G>C has been reported in the literature in at-least one individual affected with Phenylalanine Hydroxylase Deficiency (Phenylketonuria) (example: Kozak_1997). At least one publication reports experimental evidence evaluating an impact on protein function. The most pronounced variant effect results in <10% of normal activity (Pecimonova_2019). Other variant affecting the same codon (c.1024G>A , p.Ala342Thr) has been classified pathogenic in ClinVar (CV ID 102473). This suggests that this residue may play a critical functional role. The following publications have been ascertained in the context of this evaluation (PMID: 9391881, 31208052). No submitters have cited clinical-significance assessments for this variant to ClinVar after 2014. Based on the evidence outlined above, the variant was classified as pathogenic.

Labcorp Genetics (formerly Invitae), Labcorp
Classification: Pathogenic for Phenylketonuria. Last evaluated: 2023-06-09. Review status: criteria provided, single submitter. Criteria: Invitae Variant Classification Sherloc (09022015). Collection method: clinical testing. Allele origin: germline.
Comment: This variant is not present in population databases (gnomAD no frequency). This sequence change replaces alanine, which is neutral and non-polar, with proline, which is neutral and non-polar, at codon 342 of the PAH protein (p.Ala342Pro). For these reasons, this variant has been classified as Pathogenic. This variant disrupts the p.Ala342 amino acid residue in PAH. Other variant(s) that disrupt this residue have been determined to be pathogenic (PMID: 17924342, 23932990, 30050108, 32668217; BIOPKU). This suggests that this residue is clinically significant, and that variants that disrupt this residue are likely to be disease-causing. Experimental studies have shown that this missense change affects PAH function (PMID: 31208052). Advanced modeling of protein sequence and biophysical properties (such as structural, functional, and spatial information, amino acid conservation, physicochemical variation, residue mobility, and thermodynamic stability) performed at Invitae indicates that this missense variant is expected to disrupt PAH protein function. ClinVar contains an entry for this variant (Variation ID: 102474). This missense change has been observed in individual(s) with hyperphenylalaninemia (PMID: 9391881, 32668217; BIOPKU).

DeBelle Laboratory for Biochemical Genetics, MUHC/MCH RESEARCH INSTITUTE
No classification provided. Review status: no classification provided. Collection method: not provided. Allele origin: not provided. Not counted in ClinVar's aggregate classification.

Literature cited by the submitters: PubMed 9391881 (cited by Women's Health and Genetics/Laboratory Corporation of America, LabCorp and Labcorp Genetics (formerly Invitae), Labcorp); PubMed 31208052 (cited by Women's Health and Genetics/Laboratory Corporation of America, LabCorp and Labcorp Genetics (formerly Invitae), Labcorp); PubMed 17924342 (cited by Labcorp Genetics (formerly Invitae), Labcorp); PubMed 23932990 (cited by Labcorp Genetics (formerly Invitae), Labcorp); PubMed 30050108 (cited by Labcorp Genetics (formerly Invitae), Labcorp); PubMed 32668217 (cited by Labcorp Genetics (formerly Invitae), Labcorp).

NM_000277.3(PAH):c.1024G>C (p.Ala342Pro)

Gene: PAH (phenylalanine hydroxylase; minus strand). Cytogenetic location: 12q23.2.
Variant type: single nucleotide variant.
Coding change: c.1024G>C on transcript NM_000277.3 (MANE Select); coding-DNA position 1024, G replaced by C.
Protein change: p.Ala342Pro; replaces alanine 342 with proline.
Molecular consequence: missense variant.
Genome position (GRCh38, 1-based): chr12:102,844,377, C>G on the plus strand (G>C on the coding strand, the complement: PAH is on the minus strand). VCF-style: chr12-102844377-C-G. GRCh37 (hg19) VCF-style: chr12-103238155-C-G.
Other names: c.1024G>C, p.Ala342Pro (NM_001354304.2); short protein forms A342P.
Identifiers: ClinVar variation 102474 (VCV000102474.5), dbSNP rs62507282, ClinGen allele CA229277.